The following is an entry in ClinVar:

NM_015459.5(ATL3):c.1378C>T (p.Leu460Phe)

Genes: ATL3 (atlastin GTPase 3; minus strand), LNCROPM (lncRNA regulator of PLAAT3 mediated phospholipid metabolism; plus strand). Cytogenetic location: 11q13.1.
Variant type: single nucleotide variant.
Coding change: c.1378C>T on transcript NM_015459.5 (MANE Select); coding-DNA position 1378, C replaced by T.
Protein change: p.Leu460Phe; replaces leucine 460 with phenylalanine.
Molecular consequence: missense variant.
Genome position (GRCh38, 1-based): chr11:63,631,201, G>A on the plus strand (C>T on the coding strand, the complement: ATL3 is on the minus strand). VCF-style: chr11-63631201-G-A. GRCh37 (hg19) VCF-style: chr11-63398673-G-A.
Other names: c.1324C>T, p.Leu442Phe (NM_001290048.2); short protein forms L442F, L460F.
Identifiers: ClinVar variation 1410406 (VCV001410406.8), dbSNP rs1463846374, ClinGen allele CA381025072.
Genomic context (GRCh38, chr11:63,631,201, plus strand): 5'-GTAGTCCAACCATACAGTTGAACAACTGGGCTACAACCTCAAGACCTATGAAGCCAGTGA[G>A]GCCTGAGGCTATGTACAAAGCTACAATGCCCGTGAACAGCACTGCAGGGGTTCGGAAGGT-3'
Protein context (NP_056274.3, residues 450-470): GIVALYIASG[Leu460Phe]TGFIGLEVVA

ClinVar aggregate classification (germline): Uncertain significance (1 of 4 stars; one submission).

Conditions:
Neuropathy, hereditary sensory, type 1F. Also called: HSN IF; Hereditary sensory neuropathy type IF. Identifiers: Orphanet 36386, MedGen C3810194, MONDO:0014286, OMIM 615632.

Submission:

Labcorp Genetics (formerly Invitae), Labcorp
Classification: Uncertain significance for Neuropathy, hereditary sensory, type 1F. Last evaluated: 2021-04-12. Review status: criteria provided, single submitter. Criteria: Invitae Variant Classification Sherloc (09022015). Collection method: clinical testing. Allele origin: germline.
Comment: In summary, the available evidence is currently insufficient to determine the role of this variant in disease. Therefore, it has been classified as a Variant of Uncertain Significance. Algorithms developed to predict the effect of missense changes on protein structure and function output the following: SIFT: "Tolerated"; PolyPhen-2: "Benign"; Align-GVGD: "Class C0". The phenylalanine amino acid residue is found in multiple mammalian species, suggesting that this missense change does not adversely affect protein function. These predictions have not been confirmed by published functional studies and their clinical significance is uncertain. This variant has not been reported in the literature in individuals with ATL3-related conditions. This variant is not present in population databases (ExAC no frequency). This sequence change replaces leucine with phenylalanine at codon 460 of the ATL3 protein (p.Leu460Phe). The leucine residue is weakly conserved and there is a small physicochemical difference between leucine and phenylalanine.